The following is an entry in ClinVar:

ClinVar aggregate classification (germline): Uncertain significance. Review status: criteria provided, multiple submitters, no conflicts (2 of 4 stars). 2 submissions from 2 submitters: Uncertain significance (2). Last evaluated 2024-06-30.

Conditions:
Hereditary breast ovarian cancer syndrome. Also called: Hereditary breast and/or ovarian cancer syndrome; Hereditary breast and ovarian cancer syndrome; Hereditary breast and ovarian cancer; BRCA1- and BRCA2-Associated Hereditary Breast and Ovarian Cancer; Hereditary breast and ovarian cancer syndrome (HBOC); Breast and ovarian cancer. Identifiers: Orphanet 145, MedGen C0677776, MeSH D061325, MONDO:0003582. Disease mechanism: loss of function.

Submissions (2):

Labcorp Genetics (formerly Invitae), Labcorp
Classification: Uncertain significance for Hereditary breast ovarian cancer syndrome. Last evaluated: 2024-06-30. Review status: criteria provided, single submitter. Criteria: Invitae Variant Classification Sherloc (09022015). Collection method: clinical testing. Allele origin: germline.
Comment: This variant, c.10156_10158del, results in the deletion of 1 amino acid(s) of the BRCA2 protein (p.Cys3386del), but otherwise preserves the integrity of the reading frame. This variant is not present in population databases (gnomAD no frequency). This variant has not been reported in the literature in individuals affected with BRCA2-related conditions. Experimental studies and prediction algorithms are not available or were not evaluated, and the functional significance of this variant is currently unknown. In summary, the available evidence is currently insufficient to determine the role of this variant in disease. Therefore, it has been classified as a Variant of Uncertain Significance.

ARUP Laboratories, Molecular Genetics and Genomics, ARUP Laboratories
Classification: Uncertain significance. Last evaluated: 2022-12-22. Review status: criteria provided, single submitter. Criteria: ARUP Molecular Germline Variant Investigation Process 2024. Collection method: clinical testing. Allele origin: germline.
Comment: The BRCA2 c.10156_10158delTGT; p.Cys3386del variant, to our knowledge, is not reported in the medical literature or gene specific databases. This variant is absent from the Genome Aggregation Database, indicating it is not a common polymorphism. This variant deletes a single cystine residue leaving the rest of the protein in-frame. However, given the lack of clinical and functional data, the significance of the p.Cys3386del variant is uncertain at this time.

NM_000059.4(BRCA2):c.10156_10158del (p.Cys3386del)

Gene: BRCA2 (BRCA2 DNA repair associated; plus strand). Cytogenetic location: 13q13.1.
Variant type: Deletion.
Coding change: c.10156_10158del on transcript NM_000059.4 (MANE Select); coding-DNA positions 10156 to 10158, 3 bases deleted (TGT; older notation c.10156_10158delTGT).
Protein change: p.Cys3386del; deletes cysteine 3386.
Molecular consequence: inframe deletion. On other transcripts: non-coding transcript variant (1).
Genome position (GRCh38, 1-based): chr13:32,398,669-32,398,671, TGT deleted; deleting any 3 consecutive bases within chr13:32,398,667-32,398,671 gives the same sequence; the c. name uses the placement nearest the transcript's 3' end. VCF-style (leftmost placement, unchanged base first): chr13-32398666-CGTT-C. GRCh37 (hg19) VCF-style: chr13-32972803-CGTT-C.
Other names: c.10060_10062del, p.Cys3354del (NM_001406719.1); c.10105_10107del, p.Cys3369del (NM_001406720.1); c.5224_5226del, p.Cys1742del (NM_001406721.1); c.3739_3741del, p.Cys1247del (NM_001406722.1); short protein forms C1247del, C1742del, C3354del, C3369del, C3386del.
Identifiers: ClinVar variation 2920856 (VCV002920856.3), dbSNP rs2548565725, ClinGen allele CA2575388067.
Genomic context (GRCh38, chr13:32,398,666, plus strand): 5'-GTCAGTGAATCCACTAGGACTGCTCCCACCAGTTCAGAAGATTATCTCAGACTGAAACGA[CGTT>C]GTACTACATCTCTGATCAAAGAACAGGAGAGTTCCCAGGCCAGTACGGAAGAATGTGAGA-3'